The following is an entry in ClinVar:

NM_000465.4(BARD1):c.616C>T (p.Gln206Ter)

Gene: BARD1 (BRCA1 associated RING domain 1; minus strand). Cytogenetic location: 2q35.
Variant type: single nucleotide variant.
Coding change: c.616C>T on transcript NM_000465.4 (MANE Select); coding-DNA position 616, C replaced by T.
Protein change: p.Gln206Ter; replaces glutamine 206 with a stop codon.
Molecular consequence: nonsense. On other transcripts: non-coding transcript variant (2), intron variant (3).
Genome position (GRCh38, 1-based): chr2:214,781,258, G>A on the plus strand (C>T on the coding strand, the complement: BARD1 is on the minus strand). VCF-style: chr2-214781258-G-A. GRCh37 (hg19) VCF-style: chr2-215645982-G-A.
Other names: c.559C>T, p.Gln187Ter (NM_001282543.2); c.158+28154C>T (NM_001282548.2); c.215+15803C>T (NM_001282545.2); c.364+11039C>T (NM_001282549.2); short protein forms Q206*, Q187*.
Identifiers: ClinVar variation 568437 (VCV000568437.7), dbSNP rs1453894904, ClinGen allele CA350456686.
Genomic context (GRCh38, chr2:214,781,258, plus strand): 5'-CTTCTTTTTCTGCCTCTAAATTCCATTTTTGGTTGATTTCAGCTAAAGTTTTCTTTTTTT[G>A]CTTTTTTCCAGATCTTGCAGAAGCCTTTTTAGCCCTCTCAGAAACATCTGCAGGAGGACT-3'

ClinVar aggregate classification (germline): Pathogenic (1 of 4 stars; one submission).

Conditions:
Familial cancer of breast. Also called: BREAST CANCER, FAMILIAL; Hereditary breast cancer; hereditary breast carcinoma. Identifiers: Orphanet 227535, MedGen C0346153, MONDO:0016419, OMIM 114480. Disease mechanism: loss of function.

Submission:

Labcorp Genetics (formerly Invitae), Labcorp
Classification: Pathogenic for Familial cancer of breast. Last evaluated: 2018-05-21. Review status: criteria provided, single submitter. Criteria: Invitae Variant Classification Sherloc (09022015). Collection method: clinical testing. Allele origin: germline.
Comment: Loss-of-function variants in BARD1 are known to be pathogenic (PMID: 20077502, 21344236). For these reasons, this variant has been classified as Pathogenic. This variant has not been reported in the literature in individuals with BARD1-related disease. This variant is not present in population databases (ExAC no frequency). This sequence change creates a premature translational stop signal (p.Gln206*) in the BARD1 gene. It is expected to result in an absent or disrupted protein product.

Literature cited by the submitters: PubMed 20077502; PubMed 21344236.